The following is an entry in ClinVar:

ClinVar aggregate classification (germline): Conflicting classifications of pathogenicity. Review status: criteria provided, conflicting classifications (1 of 4 stars). 6 submissions from 6 submitters: Uncertain significance (2); Benign (1); Likely benign (2). 1 of the submissions does not count toward it. Last evaluated 2026-01-22.

Conditions:
Hyperaldosteronism, familial, type IV (HALD4). Also called: FH IV; ALDOSTERONISM, PRIMARY, AND HYPERTENSION. Identifiers: Orphanet 642671, MedGen C4310756, MONDO:0014875, OMIM 617027.
Idiopathic generalized epilepsy. Also called: Generalised epilepsy; EIG. Identifiers: MedGen C0270850, MONDO:0005579, OMIM 600669.
Inborn genetic diseases. Identifiers: MedGen C0950123, MeSH D030342.
CACNA1H-related disorder.

Allele frequency attached by ClinVar (database versions not stated): gnomAD 0.00137; TOPMed 0.00151; ESP Exome Variant Server 0.00175; 1000 Genomes Project 0.00200; 1000 Genomes Project 30x 0.00250.
gnomAD v4.1: 409 of 1,612,370 alleles (0.025%); highest among the groups gnomAD compares: African/African-American, 0.47%; 1 homozygote.

Submissions (6):

Labcorp Genetics (formerly Invitae), Labcorp
Classification: Benign for Idiopathic generalized epilepsy; Hyperaldosteronism, familial, type IV. Last evaluated: 2026-01-22. Review status: criteria provided, single submitter. Criteria: Invitae Variant Classification Sherloc (09022015). Collection method: clinical testing. Allele origin: germline.

CeGaT Center for Human Genetics Tuebingen
Classification: Likely benign. Last evaluated: 2025-05-01. Review status: criteria provided, single submitter. Criteria: CeGaT Center For Human Genetics Tuebingen Variant Classification Criteria Version 2. Collection method: clinical testing. Allele origin: germline. Affected: yes. Observed: 1 variant allele.
Comment: CACNA1H: BS1

Blueprint Genetics
Classification: Likely benign. Last evaluated: 2024-11-12. Review status: criteria provided, single submitter. Criteria: ACMG Guidelines, 2015. Collection method: clinical testing. Allele origin: germline.

Ambry Genetics
Classification: Uncertain significance for Inborn genetic diseases. Last evaluated: 2023-12-13. Review status: criteria provided, single submitter. Criteria: Ambry Variant Classification Scheme 2023. Collection method: clinical testing. Allele origin: germline.

GeneDx
Classification: Uncertain significance. Last evaluated: 2019-08-29. Review status: criteria provided, single submitter. Criteria: GeneDx Variant Classification Process June 2021. Collection method: clinical testing. Allele origin: germline. Affected: yes.
Comment: In silico analysis, which includes protein predictors and evolutionary conservation, supports that this variant does not alter protein structure/function; Has not been previously published as pathogenic or benign to our knowledge

PreventionGenetics, part of Exact Sciences
Classification: Likely benign for CACNA1H-related condition. Last evaluated: 2021-01-12. Review status: no assertion criteria provided. Collection method: clinical testing. Allele origin: germline. Not counted in ClinVar's aggregate classification.
Comment: This variant is classified as likely benign based on ACMG/AMP sequence variant interpretation guidelines (Richards et al. 2015 PMID: 25741868, with internal and published modifications).

NM_021098.3(CACNA1H):c.6848A>T (p.Asp2283Val)

Gene: CACNA1H (calcium voltage-gated channel subunit alpha1 H; plus strand). Cytogenetic location: 16p13.3.
Variant type: single nucleotide variant.
Coding change: c.6848A>T on transcript NM_021098.3 (MANE Select); coding-DNA position 6848, A replaced by T.
Protein change: p.Asp2283Val; replaces aspartic acid 2283 with valine.
Molecular consequence: missense variant.
Genome position (GRCh38, 1-based): chr16:1,220,780, A>T. VCF-style: chr16-1220780-A-T. GRCh37 (hg19) VCF-style: chr16-1270780-A-T.
Other names: c.6830A>T, p.Asp2277Val (NM_001005407.2); short protein forms D2283V, D2277V.
Identifiers: ClinVar variation 529629 (VCV000529629.27), dbSNP rs58597457, ClinGen allele CA7802519.
Genomic context (GRCh38, chr16:1,220,780, plus strand): 5'-TCCCCAGCTTTGCCTTTGAGCCGCTGGACCTCGGGGTCCCCAGTGGAGACCCTTTCTTGG[A>T]CGGTAGCCACAGTGTGACCCCAGAATCCAGAGCTTCCTCTTCAGGGGCCATAGTGCCCCT-3'
Protein context (NP_066921.2, residues 2273-2293): LGVPSGDPFL[Asp2283Val]GSHSVTPESR